The following is an entry in ClinVar:

NM_000245.4(MET):c.321A>T (p.Leu107Phe)

Gene: MET (MET proto-oncogene, receptor tyrosine kinase; plus strand). Cytogenetic location: 7q31.2.
Variant type: single nucleotide variant.
Coding change: c.321A>T on transcript NM_000245.4 (MANE Select); coding-DNA position 321, A replaced by T.
Protein change: p.Leu107Phe; replaces leucine 107 with phenylalanine.
Molecular consequence: missense variant. On other transcripts: intron variant (1).
Genome position (GRCh38, 1-based): chr7:116,699,405, A>T. VCF-style: chr7-116699405-A-T. GRCh37 (hg19) VCF-style: chr7-116339459-A-T.
Other names: c.321A>T (NM_001127500.1); c.321A>T, p.Leu107Phe (NM_001127500.3, NM_001324401.3); c.-91+26828A>T (NM_001324402.2); short protein forms L107F.
Identifiers: ClinVar variation 1022015 (VCV001022015.11), dbSNP rs1040920548, ClinGen allele CA164888196.

ClinVar aggregate classification (germline): Conflicting classifications of pathogenicity. Review status: criteria provided, conflicting classifications (1 of 4 stars). 2 submissions from 2 submitters: Uncertain significance (1); Likely benign (1). Last evaluated 2026-06-01.

Conditions:
Hereditary cancer-predisposing syndrome. Also called: Hereditary neoplastic syndrome; Neoplastic Syndromes, Hereditary; Tumor predisposition; Hereditary Cancer Syndrome. Identifiers: Orphanet 140162, MedGen C0027672, MeSH D009386, MONDO:0015356.
Renal cell carcinoma. Identifiers: Orphanet 217071, MedGen C0007134, MeSH D002292, MONDO:0005086, HP:0005584.

gnomAD v4.1: 2 of 1,614,086 alleles (0.00012%); highest among the groups gnomAD compares: African/African-American, 0.0013%; no homozygotes.

Submissions (2):

Ambry Genetics
Classification: Likely benign for Hereditary cancer-predisposing syndrome. Last evaluated: 2026-06-01. Review status: criteria provided, single submitter. Criteria: Ambry Variant Classification Scheme 2023. Collection method: clinical testing. Allele origin: germline.

Labcorp Genetics (formerly Invitae), Labcorp
Classification: Uncertain significance for Renal cell carcinoma. Last evaluated: 2022-02-24. Review status: criteria provided, single submitter. Criteria: Invitae Variant Classification Sherloc (09022015). Collection method: clinical testing. Allele origin: germline.
Comment: In summary, the available evidence is currently insufficient to determine the role of this variant in disease. Therefore, it has been classified as a Variant of Uncertain Significance. Algorithms developed to predict the effect of missense changes on protein structure and function (SIFT, PolyPhen-2, Align-GVGD) all suggest that this variant is likely to be tolerated. ClinVar contains an entry for this variant (Variation ID: 1022015). This variant has not been reported in the literature in individuals affected with MET-related conditions. This variant is not present in population databases (gnomAD no frequency). This sequence change replaces leucine, which is neutral and non-polar, with phenylalanine, which is neutral and non-polar, at codon 107 of the MET protein (p.Leu107Phe).